The following is an entry in ClinVar:

NM_012387.3(PADI4):c.163G>A (p.Gly55Ser)

Gene: PADI4 (peptidyl arginine deiminase 4; plus strand). Cytogenetic location: 1p36.13.
Variant type: single nucleotide variant.
Coding change: c.163G>A on transcript NM_012387.3 (MANE Select); coding-DNA position 163, G replaced by A.
Protein change: p.Gly55Ser; replaces glycine 55 with serine.
Molecular consequence: missense variant.
Genome position (GRCh38, 1-based): chr1:17,331,039, G>A. VCF-style: chr1-17331039-G-A. GRCh37 (hg19) VCF-style: chr1-17657534-G-A.
Other names: c.163G>A (NM_012387.2); short protein forms G55S.
Identifiers: ClinVar variation 972892 (VCV000972892.3), dbSNP rs11203366, ClinGen allele CA640362.

ClinVar aggregate classification (germline): Benign; association. Review status: no assertion criteria provided (0 of 4 stars). 2 submissions from 2 submitters: Benign (1). Last evaluated 2020-02-01.

Conditions:
Rheumatoid arthritis (RA). Also called: RHEUMATOID ARTHRITIS, SUSCEPTIBILITY TO. Identifiers: MedGen C0003873, MONDO:0008383, OMIM 180300, HP:0001370.
Abnormal pulmonary interstitial morphology. Also called: Interstitial lung disease; Interstitial pulmonary abnormality. Identifiers: Orphanet 182095, MedGen C5441745, MeSH D017563, MONDO:0015925, HP:0006530.
PADI4-related disorder. Also called: PADI4-related condition.

Allele frequency attached by ClinVar (database versions not stated): 1000 Genomes Project 0.52456; gnomAD 0.55034 and 0.55047; ESP Exome Variant Server 0.54536; gnomAD exomes 0.57757 and 0.55893; TOPMed 0.54349; 1000 Genomes Project 30x 0.52264; ExAC 0.56122.

Submissions (2):

Pneumogenomics Laboratory, Instituto Nacional de Enfermedades Respiratorias Ismael Cosio Villegas
Classification: association for Interstitial Lung Disease; Rheumatoid Arthritis. Last evaluated: 2020-02-01. Review status: no assertion criteria provided. Collection method: case-control. Allele origin: germline. Affected: yes.

PreventionGenetics, part of Exact Sciences
Classification: Benign for PADI4-related condition. Last evaluated: 2019-10-17. Review status: no assertion criteria provided. Collection method: clinical testing. Allele origin: germline.
Comment: This variant is classified as benign based on ACMG/AMP sequence variant interpretation guidelines (Richards et al. 2015 PMID: 25741868, with internal and published modifications).